The following is an entry in ClinVar:

NM_152419.3(HGSNAT):c.900A>G (p.Ile300Met)

Gene: HGSNAT (heparan-alpha-glucosaminide N-acetyltransferase; plus strand). Cytogenetic location: 8p11.21.
Variant type: single nucleotide variant.
Coding change: c.900A>G on transcript NM_152419.3 (MANE Select); coding-DNA position 900, A replaced by G.
Protein change: p.Ile300Met; replaces isoleucine 300 with methionine.
Molecular consequence: missense variant. On other transcripts: intron variant (1).
Genome position (GRCh38, 1-based): chr8:43,178,122, A>G. VCF-style: chr8-43178122-A-G. GRCh37 (hg19) VCF-style: chr8-43033265-A-G.
Other names: c.900A>G, p.Ile300Met (NM_001363227.2); c.36A>G, p.Ile12Met (NM_001363229.2); c.821-4023A>G (NM_001363228.2); short protein forms I12M, I300M.
Identifiers: ClinVar variation 2932444 (VCV002932444.3), dbSNP rs2487002486, ClinGen allele CA371117010.

ClinVar aggregate classification (germline): Uncertain significance (1 of 4 stars; one submission).

Conditions:
Retinitis pigmentosa 73 (RP73). Identifiers: Orphanet 791, MedGen C4225287, MONDO:0014687, OMIM 616544.
Mucopolysaccharidosis, MPS-III-C (MPS3C). Also called: SANFILIPPO SYNDROME C; MPS III C; Mucopolysaccharidosis type IIIC (Sanfilippo C); MUCOPOLYSACCHARIDOSIS, TYPE IIIC; mucopolysaccharidosis type 3C; MPS IIIC (Sanfilippo Syndrome Type C). Identifiers: Orphanet 581, Orphanet 79271, MedGen C0086649, MONDO:0009657, OMIM 252930.

Submission:

Labcorp Genetics (formerly Invitae), Labcorp
Classification: Uncertain significance for Retinitis pigmentosa 73; Mucopolysaccharidosis, MPS-III-C. Last evaluated: 2022-12-20. Review status: criteria provided, single submitter. Criteria: Invitae Variant Classification Sherloc (09022015). Collection method: clinical testing. Allele origin: germline.
Comment: In summary, the available evidence is currently insufficient to determine the role of this variant in disease. Therefore, it has been classified as a Variant of Uncertain Significance. Advanced modeling of protein sequence and biophysical properties (such as structural, functional, and spatial information, amino acid conservation, physicochemical variation, residue mobility, and thermodynamic stability) performed at Invitae indicates that this missense variant is not expected to disrupt HGSNAT protein function. This variant has not been reported in the literature in individuals affected with HGSNAT-related conditions. This variant is not present in population databases (gnomAD no frequency). This sequence change replaces isoleucine, which is neutral and non-polar, with methionine, which is neutral and non-polar, at codon 300 of the HGSNAT protein (p.Ile300Met).